The following is an entry in ClinVar:

ClinVar aggregate classification (germline): Conflicting classifications of pathogenicity. Review status: criteria provided, conflicting classifications (1 of 4 stars). 2 submissions from 2 submitters: Uncertain significance (1); Likely benign (1). Last evaluated 2025-09-24.

Conditions:
Familial sleep-related hypermotor epilepsy. Also called: Autosomal Dominant Sleep-Related Hypermotor (Hyperkinetic) Epilepsy. Identifiers: Orphanet 98784, MedGen C3696898, MONDO:0000030.

Allele frequency attached by ClinVar (database versions not stated): gnomAD exomes 0.00004; ExAC 0.00004.

Submissions (2):

Labcorp Genetics (formerly Invitae), Labcorp
Classification: Uncertain significance. Last evaluated: 2025-09-24. Review status: criteria provided, single submitter. Criteria: Invitae Variant Classification Sherloc (09022015). Collection method: clinical testing. Allele origin: germline.
Comment: This sequence change replaces serine, which is neutral and polar, with threonine, which is neutral and polar, at codon 400 of the CHRNA2 protein (p.Ser400Thr). This variant is present in population databases (rs771693410, gnomAD 0.03%). This variant has not been reported in the literature in individuals affected with CHRNA2-related conditions. ClinVar contains an entry for this variant (Variation ID: 1216492). Invitae Evidence Modeling of protein sequence and biophysical properties (such as structural, functional, and spatial information, amino acid conservation, physicochemical variation, residue mobility, and thermodynamic stability) indicates that this missense variant is not expected to disrupt CHRNA2 protein function with a negative predictive value of 80%. In summary, the available evidence is currently insufficient to determine the role of this variant in disease. Therefore, it has been classified as a Variant of Uncertain Significance.

GeneDx
Classification: Likely benign. Last evaluated: 2021-03-05. Review status: criteria provided, single submitter. Criteria: GeneDx Variant Classification Process June 2021. Collection method: clinical testing. Allele origin: germline. Affected: yes.

NM_000742.4(CHRNA2):c.1198T>A (p.Ser400Thr)

Gene: CHRNA2 (cholinergic receptor nicotinic alpha 2 subunit; minus strand). Cytogenetic location: 8p21.2.
Variant type: single nucleotide variant.
Coding change: c.1198T>A on transcript NM_000742.4 (MANE Select); coding-DNA position 1198, T replaced by A.
Protein change: p.Ser400Thr; replaces serine 400 with threonine.
Molecular consequence: missense variant.
Genome position (GRCh38, 1-based): chr8:27,463,245, A>T on the plus strand (T>A on the coding strand, the complement: CHRNA2 is on the minus strand). VCF-style: chr8-27463245-A-T. GRCh37 (hg19) VCF-style: chr8-27320762-A-T.
Other names: c.1153T>A, p.Ser385Thr (NM_001282455.2); c.721T>A, p.Ser241Thr (NM_001347705.2, NM_001347706.2); c.604T>A, p.Ser202Thr (NM_001347707.2, NM_001347708.2); short protein forms S202T, S241T, S385T, S400T.
Identifiers: ClinVar variation 1216492 (VCV001216492.11), dbSNP rs771693410, ClinGen allele CA4689504.